The following is an entry in ClinVar:

NM_001397.3(ECE1):c.139-43G>A

Gene: ECE1 (endothelin converting enzyme 1; minus strand). Cytogenetic location: 1p36.12.
Variant type: single nucleotide variant.
Coding change: c.139-43G>A on transcript NM_001397.3 (MANE Select); 43 bases into the intron before coding-DNA position 139, G replaced by A.
Molecular consequence: intron variant. On other transcripts: synonymous variant (1).
Genome position (GRCh38, 1-based): chr1:21,279,375, C>T on the plus strand (G>A on the coding strand, the complement: ECE1 is on the minus strand). VCF-style: chr1-21279375-C-T. GRCh37 (hg19) VCF-style: chr1-21605868-C-T.
Other names: c.60G>A, p.Pro20= (NM_001113347.2); c.91-43G>A (NM_001113348.2); c.130-43G>A (NM_001113349.2).
Identifiers: ClinVar variation 3353222 (VCV003353222.1).
Genomic context (GRCh38, chr1:21,279,375, plus strand): 5'-GGGGCTGTGGAAGTTCACCTGCAGGGAAGGAGGCAGGAGGGGCGGGGAAGACGTGAGCCC[C>T]GGGCCCCGCTTCCCTTGGAGGAAGGGGTTCCGCTGCAGGCCCAGGCCCTGGAGAGGCATC-3'

ClinVar aggregate classification (germline): Likely benign (0 of 4 stars; one submission).

Conditions:
ECE1-related disorder. Also called: ECE1-related condition.

gnomAD v4.1: 284 of 1,613,674 alleles (0.018%); highest among the groups gnomAD compares: African/African-American, 0.29%; 1 homozygote.

Submission:

PreventionGenetics, part of Exact Sciences
Classification: Likely benign for ECE1-related condition. Last evaluated: 2024-04-04. Review status: no assertion criteria provided. Collection method: clinical testing. Allele origin: germline.
Comment: This variant is classified as likely benign based on ACMG/AMP sequence variant interpretation guidelines (Richards et al. 2015 PMID: 25741868, with internal and published modifications).